The following is an entry in ClinVar:

ClinVar aggregate classification (germline): Uncertain significance (1 of 4 stars; one submission).

Conditions:
Jeune thoracic dystrophy. Also called: Jeune syndrome; Infantile thoracic dystrophy; Thoracic pelvic phalangeal dystrophy; Jeune's syndrome; Chondroectodermal dysplasia-like syndrome; Short-rib thoracic dysplasia. Identifiers: Orphanet 474, MedGen C0265275, MONDO:0018770.

Allele frequency attached by ClinVar (database versions not stated): TOPMed 0.00001.

Submission:

Labcorp Genetics (formerly Invitae), Labcorp
Classification: Uncertain significance for Jeune thoracic dystrophy. Last evaluated: 2022-06-23. Review status: criteria provided, single submitter. Criteria: Invitae Variant Classification Sherloc (09022015). Collection method: clinical testing. Allele origin: germline.
Comment: This sequence change affects the initiator methionine of the DYNC2H1 mRNA. The next in-frame methionine is located at codon 24. The frequency data for this variant in the population databases is considered unreliable, as metrics indicate poor data quality at this position in the gnomAD database. This variant has not been reported in the literature in individuals affected with DYNC2H1-related conditions. Experimental studies and prediction algorithms are not available or were not evaluated, and the functional significance of this variant is currently unknown. In summary, the available evidence is currently insufficient to determine the role of this variant in disease. Therefore, it has been classified as a Variant of Uncertain Significance.

NM_001377.3(DYNC2H1):c.1A>G (p.Met1Val)

Gene: DYNC2H1 (dynein cytoplasmic 2 heavy chain 1; plus strand). Cytogenetic location: 11q22.3.
Variant type: single nucleotide variant.
Coding change: c.1A>G on transcript NM_001377.3 (MANE Select); coding-DNA position 1, A replaced by G.
Protein change: p.Met1Val; changes the start codon (methionine 1).
Molecular consequence: missense variant, initiator codon variant.
Genome position (GRCh38, 1-based): chr11:103,109,575, A>G. VCF-style: chr11-103109575-A-G. GRCh37 (hg19) VCF-style: chr11-102980304-A-G.
Other names: c.1A>G, p.Met1Val (NM_001080463.2); short protein forms M1V.
Identifiers: ClinVar variation 1983801 (VCV001983801.5), dbSNP rs781267784, ClinGen allele CA382240486.